The following is an entry in ClinVar:

ClinVar aggregate classification (germline): Likely benign (1 of 4 stars; one submission).

gnomAD v4.1: 11 of 135,946 alleles (0.0081%); highest among the groups gnomAD compares: Non-Finnish European, 0.017%; no homozygotes.

Submission:

CeGaT Center for Human Genetics Tuebingen
Classification: Likely benign. Last evaluated: 2025-10-01. Review status: criteria provided, single submitter. Criteria: CeGaT Center For Human Genetics Tuebingen Variant Classification Criteria Version 2. Collection method: clinical testing. Allele origin: germline. Affected: yes. Observed: 1 variant allele.
Comment: FANCL: BP4, BP7

NM_018062.4(FANCL):c.374+8239C>T

Gene: FANCL (FA complementation group L; minus strand). Cytogenetic location: 2p16.1.
Variant type: single nucleotide variant.
Coding change: c.374+8239C>T on transcript NM_018062.4 (MANE Select); 8239 bases into the intron after coding-DNA position 374, C replaced by T.
Molecular consequence: intron variant.
Genome position (GRCh38, 1-based): chr2:58,213,703, G>A on the plus strand (C>T on the coding strand, the complement: FANCL is on the minus strand). VCF-style: chr2-58213703-G-A. GRCh37 (hg19) VCF-style: chr2-58440838-G-A.
Other names: c.96+27515C>T (NM_001438892.1); c.374+8239C>T (NM_001438891.1, NM_001374615.1, NM_001438889.1 and 3 more transcripts).
Identifiers: ClinVar variation 4534522 (VCV004534522.6).